The following is an entry in ClinVar:

NM_016562.4(TLR7):c.2159A>G (p.Asn720Ser)

Gene: TLR7 (toll like receptor 7; plus strand). Cytogenetic location: Xp22.2.
Variant type: single nucleotide variant.
Coding change: c.2159A>G on transcript NM_016562.4 (MANE Select); coding-DNA position 2159, A replaced by G.
Protein change: p.Asn720Ser; replaces asparagine 720 with serine.
Molecular consequence: missense variant.
Genome position (GRCh38, 1-based): chrX:12,887,667, A>G. VCF-style: chrX-12887667-A-G. GRCh37 (hg19) VCF-style: chrX-12905786-A-G.
Other names: c.2159A>G (NM_016562.3); short protein forms N720S.
Identifiers: ClinVar variation 2063810 (VCV002063810.5), dbSNP rs772329520, ClinGen allele CA10350063.
Genomic context (GRCh38, chrX:12,887,667, plus strand): 5'-ACCTGGAAACTTTGGACCTCAGCCACAACCAACTGACCACTGTCCCTGAGAGATTATCCA[A>G]CTGTTCCAGAAGCCTCAAGAATCTGATTCTTAAGAATAATCAAATCAGGAGTCTGACGAA-3'
Protein context (NP_057646.1, residues 710-730): QLTTVPERLS[Asn720Ser]CSRSLKNLIL

ClinVar aggregate classification (germline): Uncertain significance. Review status: criteria provided, multiple submitters, no conflicts (2 of 4 stars). 2 submissions from 2 submitters: Uncertain significance (2). Last evaluated 2025-07-07.

Allele frequency attached by ClinVar (database versions not stated): gnomAD 0.00002; TOPMed 0.00005; gnomAD exomes 0.00006; ExAC 0.00010.
gnomAD v4.1: 26 of 1,209,604 alleles (0.0021%); highest among the groups gnomAD compares: Admixed American, 0.057%; no homozygotes.

Submissions (2):

Labcorp Genetics (formerly Invitae), Labcorp
Classification: Uncertain significance. Last evaluated: 2025-07-07. Review status: criteria provided, single submitter. Criteria: Invitae Variant Classification Sherloc (09022015). Collection method: clinical testing. Allele origin: germline.
Comment: This sequence change replaces asparagine, which is neutral and polar, with serine, which is neutral and polar, at codon 720 of the TLR7 protein (p.Asn720Ser). This variant is present in population databases (rs772329520, gnomAD 0.07%), and has an allele count higher than expected for a pathogenic variant. This variant has not been reported in the literature in individuals affected with TLR7-related conditions. ClinVar contains an entry for this variant (Variation ID: 2063810). An algorithm developed to predict the effect of missense changes on protein structure and function (PolyPhen-2) suggests that this variant is likely to be tolerated. In summary, the available evidence is currently insufficient to determine the role of this variant in disease. Therefore, it has been classified as a Variant of Uncertain Significance.

Ambry Genetics
Classification: Uncertain significance. Last evaluated: 2025-01-16. Review status: criteria provided, single submitter. Criteria: Ambry Variant Classification Scheme 2023. Collection method: clinical testing. Allele origin: germline.